The following is an entry in ClinVar:

NM_032119.4(ADGRV1):c.7576A>G (p.Ile2526Val)

Gene: ADGRV1 (adhesion G protein-coupled receptor V1; plus strand). Cytogenetic location: 5q14.3.
Variant type: single nucleotide variant.
Coding change: c.7576A>G on transcript NM_032119.4 (MANE Select); coding-DNA position 7576, A replaced by G.
Protein change: p.Ile2526Val; replaces isoleucine 2526 with valine.
Molecular consequence: missense variant. On other transcripts: non-coding transcript variant (1).
Genome position (GRCh38, 1-based): chr5:90,694,332, A>G. VCF-style: chr5-90694332-A-G. GRCh37 (hg19) VCF-style: chr5-89990149-A-G.
Other names: p.I2526V:ATT>GTT; short protein forms I2526V.
Identifiers: ClinVar variation 46376 (VCV000046376.31), dbSNP rs75191159, ClinGen allele CA138218.

ClinVar aggregate classification (germline): Benign. Review status: criteria provided, multiple submitters, no conflicts (2 of 4 stars). 10 submissions from 10 submitters: Benign (7). 3 of the submissions do not count toward it. Last evaluated 2026-02-01.

Conditions:
Usher syndrome type 2C. Also called: Usher syndrome, type 2B; USHER SYNDROME, TYPE IIC. Identifiers: Orphanet 231178, Orphanet 886, MedGen C2931213, MONDO:0011558, OMIM 605472.

Allele frequency attached by ClinVar (database versions not stated): gnomAD 0.01965; ESP Exome Variant Server 0.02102; TOPMed 0.02122; 1000 Genomes Project 0.02296; 1000 Genomes Project 30x 0.02420.
gnomAD v4.1: 5,912 of 1,613,950 alleles (0.37%); highest among the groups gnomAD compares: African/African-American, 6.8%; 175 homozygotes.

Submissions (10):

Labcorp Genetics (formerly Invitae), Labcorp
Classification: Benign. Last evaluated: 2026-02-01. Review status: criteria provided, single submitter. Criteria: Invitae Variant Classification Sherloc (09022015). Collection method: clinical testing. Allele origin: germline.

ARUP Laboratories, Molecular Genetics and Genomics, ARUP Laboratories
Classification: Benign. Last evaluated: 2023-10-16. Review status: criteria provided, single submitter. Criteria: ARUP Molecular Germline Variant Investigation Process 2024. Collection method: clinical testing. Allele origin: germline.

Mayo Clinic Laboratories, Mayo Clinic
Classification: Benign. Last evaluated: 2020-10-05. Review status: criteria provided, single submitter. Criteria: ACMG Guidelines, 2015. Collection method: clinical testing. Allele origin: germline. Observed: 4 variant alleles.

Illumina Laboratory Services, Illumina
Classification: Benign for Usher syndrome type 2C. Last evaluated: 2018-01-12. Review status: criteria provided, single submitter. Criteria: ICSL Variant Classification Criteria 13 December 2019. Collection method: clinical testing. Allele origin: germline.
Comment: This variant was observed in the ICSL laboratory as part of a predisposition screen in an ostensibly healthy population. It had not been previously curated by ICSL or reported in the Human Gene Mutation Database (HGMD: prior to June 1st, 2018), and was therefore a candidate for classification through an automated scoring system. Utilizing variant allele frequency, disease prevalence and penetrance estimates, and inheritance mode, an automated score was calculated to assess if this variant is too frequent to cause the disease. Based on the score and internal cut-off values, a variant classified as benign is not then subjected to further curation. The score for this variant resulted in a classification of benign for this disease.

Athena Diagnostics
Classification: Benign. Last evaluated: 2017-12-14. Review status: criteria provided, single submitter. Criteria: Athena Diagnostics Criteria. Collection method: clinical testing. Allele origin: germline.

GeneDx
Classification: Benign. Last evaluated: 2013-06-06. Review status: criteria provided, single submitter. Criteria: GeneDx Variant Classification (06012015). Collection method: clinical testing. Allele origin: germline. Affected: yes.
Comment: This variant is considered likely benign or benign based on one or more of the following criteria: it is a conservative change, it occurs at a poorly conserved position in the protein, it is predicted to be benign by multiple in silico algorithms, and/or has population frequency not consistent with disease.

PreventionGenetics, part of Exact Sciences
Classification: Benign. Review status: criteria provided, single submitter. Criteria: ACMG Guidelines, 2015. Collection method: clinical testing. Allele origin: germline.

Laboratory for Molecular Medicine, Mass General Brigham Personalized Medicine
Classification: Benign. Last evaluated: 2009-11-24. Review status: no assertion criteria provided. Collection method: clinical testing. Allele origin: germline. Observed: 28 variant alleles. Not counted in ClinVar's aggregate classification.

Genome Diagnostics Laboratory, University Medical Center Utrecht
Classification: Likely benign. Review status: no assertion criteria provided. Collection method: clinical testing. Allele origin: germline. Affected: yes. Study: VKGL Data-share Consensus. Not counted in ClinVar's aggregate classification.

Laboratory of Diagnostic Genome Analysis, Leiden University Medical Center (LUMC)
Classification: Likely benign. Review status: no assertion criteria provided. Collection method: clinical testing. Allele origin: germline. Affected: yes. Study: VKGL Data-share Consensus. Not counted in ClinVar's aggregate classification.